The following is an entry in ClinVar:

ClinVar aggregate classification (germline): Pathogenic (1 of 4 stars; one submission).

Submission:

Labcorp Genetics (formerly Invitae), Labcorp
Classification: Pathogenic. Last evaluated: 2023-03-07. Review status: criteria provided, single submitter. Criteria: Invitae Variant Classification Sherloc (09022015). Collection method: clinical testing. Allele origin: unknown.
Comment: For these reasons, this variant has been classified as Pathogenic. This variant has not been reported in the literature in individuals affected with MSH3-related conditions. This variant is a gross deletion of the genomic region encompassing exon(s) 12-17 of the MSH3 gene. This deletion is out-of-frame, and is expected to create a premature termination codon and result in an absent or disrupted protein product. Loss-of-function variants in MSH3 are known to be pathogenic (PMID: 27476653).

Literature cited by the submitters: PubMed 27476653.

NC_000005.9:g.(?_80040315)_(80074665_?)del

Gene: MSH3 (mutS homolog 3; plus strand). Cytogenetic location: 5q14.1.
Variant type: Deletion.
Identifiers: ClinVar variation 3246488 (VCV003246488.1).